The following is an entry in ClinVar:

ClinVar aggregate classification (germline): Likely benign. Review status: criteria provided, multiple submitters, no conflicts (2 of 4 stars). 4 submissions from 4 submitters: Likely benign (3). 1 of the submissions does not count toward it. Last evaluated 2026-01-01.

Conditions:
Becker muscular dystrophy (BMD). Also called: MUSCULAR DYSTROPHY, PSEUDOHYPERTROPHIC PROGRESSIVE, BECKER TYPE; Becker Muscular Dystrophy (BMD). Identifiers: Orphanet 98895, MedGen C0917713, MONDO:0010311, OMIM 300376.
Duchenne muscular dystrophy (DMD). Also called: Duchenne Muscular Dystrophy (DMD); MUSCULAR DYSTROPHY, PSEUDOHYPERTROPHIC PROGRESSIVE, DUCHENNE TYPE. Identifiers: Orphanet 98896, MedGen C0013264, MONDO:0010679, OMIM 310200.
Cardiomyopathy (CMYO). Also called: Cardiomyopathies. Identifiers: Orphanet 167848, MedGen C0878544, MONDO:0004994, HP:0001638. Inheritance: Various modes of inheritance.
Dystrophin deficiency.
Cardiovascular phenotype. Identifiers: MedGen CN230736.

Allele frequency attached by ClinVar (database versions not stated): gnomAD exomes below 0.00001 and 0.00002; ExAC 0.00002; gnomAD 0.00002; TOPMed 0.00004.
gnomAD v4.1: 9 of 1,209,060 alleles (0.00074%); highest among the groups gnomAD compares: African/African-American, 0.0053%; no homozygotes.

Submissions (4):

CeGaT Center for Human Genetics Tuebingen
Classification: Likely benign. Last evaluated: 2026-01-01. Review status: criteria provided, single submitter. Criteria: CeGaT Center For Human Genetics Tuebingen Variant Classification Criteria Version 2. Collection method: clinical testing. Allele origin: germline. Affected: yes. Observed: 1 variant allele.
Comment: DMD: BP4, BP7, BS2

Labcorp Genetics (formerly Invitae), Labcorp
Classification: Likely benign for Duchenne muscular dystrophy. Last evaluated: 2025-09-07. Review status: criteria provided, single submitter. Criteria: Invitae Variant Classification Sherloc (09022015). Collection method: clinical testing. Allele origin: germline.

Ambry Genetics
Classification: Likely benign for Cardiovascular phenotype. Last evaluated: 2021-10-07. Review status: criteria provided, single submitter. Criteria: Ambry Variant Classification Scheme 2023. Collection method: clinical testing. Allele origin: germline.

Natera, Inc.
Classification: Likely benign for Becker muscular dystrophy; Cardiomyopathy; Duchenne muscular dystrophy; Dystrophin deficiency. Last evaluated: 2020-05-06. Review status: no assertion criteria provided. Collection method: clinical testing. Allele origin: germline. Not counted in ClinVar's aggregate classification.

NM_004006.3(DMD):c.2910C>T (p.Thr970=)

Gene: DMD (dystrophin; minus strand). Cytogenetic location: Xp21.1.
Variant type: single nucleotide variant.
Coding change: c.2910C>T on transcript NM_004006.3 (MANE Select); coding-DNA position 2910, C replaced by T.
Protein change: p.Thr970=; no amino-acid change (threonine 970 retained).
Molecular consequence: synonymous variant.
Genome position (GRCh38, 1-based): chrX:32,472,203, G>A on the plus strand (C>T on the coding strand, the complement: DMD is on the minus strand). VCF-style: chrX-32472203-G-A. GRCh37 (hg19) VCF-style: chrX-32490320-G-A.
Other names: c.2886C>T, p.Thr962= (NM_000109.4); c.2898C>T, p.Thr966= (NM_004009.3); c.2541C>T, p.Thr847= (NM_004010.3).
Identifiers: ClinVar variation 455889 (VCV000455889.18), dbSNP rs765442122, ClinGen allele CA10379412.